The following is an entry in ClinVar:

ClinVar aggregate classification (germline): Pathogenic (1 of 4 stars; one submission).

Conditions:
Gorlin syndrome. Also called: Nevoid Basal Cell Carcinoma Syndrome; Basal cell nevus syndrome. Identifiers: Orphanet 377, MedGen C0004779, MONDO:0007187.

Submission:

Labcorp Genetics (formerly Invitae), Labcorp
Classification: Pathogenic for Gorlin syndrome. Last evaluated: 2024-06-04. Review status: criteria provided, single submitter. Criteria: Invitae Variant Classification Sherloc (09022015). Collection method: clinical testing. Allele origin: germline.
Comment: This sequence change creates a premature translational stop signal (p.Trp863*) in the PTCH1 gene. It is expected to result in an absent or disrupted protein product. Loss-of-function variants in PTCH1 are known to be pathogenic (PMID: 16301862, 16419085). This variant is not present in population databases (gnomAD no frequency). This premature translational stop signal has been observed in individual(s) with basal cell nevus syndrome (PMID: 30411536). For these reasons, this variant has been classified as Pathogenic.

Literature cited by the submitters: PubMed 16301862; PubMed 16419085; PubMed 30411536.

NM_000264.5(PTCH1):c.2589G>A (p.Trp863Ter)

Gene: PTCH1 (patched 1; minus strand). Cytogenetic location: 9q22.32.
Variant type: single nucleotide variant.
Coding change: c.2589G>A on transcript NM_000264.5 (MANE Select); coding-DNA position 2589, G replaced by A.
Protein change: p.Trp863Ter; replaces tryptophan 863 with a stop codon.
Molecular consequence: nonsense. On other transcripts: non-coding transcript variant (1).
Genome position (GRCh38, 1-based): chr9:95,461,970, C>T on the plus strand (G>A on the coding strand, the complement: PTCH1 is on the minus strand). VCF-style: chr9-95461970-C-T. GRCh37 (hg19) VCF-style: chr9-98224252-C-T.
Other names: c.2391G>A, p.Trp797Ter (NM_001083602.3); c.2586G>A, p.Trp862Ter (NM_001083603.3); c.2136G>A, p.Trp712Ter (NM_001083604.3, NM_001083605.3, NM_001083606.3 and 1 more transcripts); c.2433G>A, p.Trp811Ter (NM_001354918.2); short protein forms W712*, W797*, W811*, W862*, W863*.
Identifiers: ClinVar variation 3655418 (VCV003655418.2).